The following is an entry in ClinVar:

ClinVar aggregate classification (germline): Uncertain significance (1 of 4 stars; one submission).

gnomAD v4.1: 11 of 1,584,576 alleles (0.00069%); highest among the groups gnomAD compares: Admixed American, 0.0018%; no homozygotes.

Submission:

GeneDx
Classification: Uncertain significance. Last evaluated: 2025-04-17. Review status: criteria provided, single submitter. Criteria: GeneDx Variant Classification Process June 2021. Collection method: clinical testing. Allele origin: germline. Affected: yes.
Comment: Not observed at significant frequency in large population cohorts (gnomAD); In silico analysis supports that this missense variant has a deleterious effect on protein structure/function; Has not been previously published as pathogenic or benign to our knowledge

NM_001271938.2(MEGF8):c.7282C>T (p.Arg2428Trp)

Gene: MEGF8 (multiple EGF like domains 8; plus strand). Cytogenetic location: 19q13.2.
Variant type: single nucleotide variant.
Coding change: c.7282C>T on transcript NM_001271938.2 (MANE Select); coding-DNA position 7282, C replaced by T.
Protein change: p.Arg2428Trp; replaces arginine 2428 with tryptophan.
Molecular consequence: missense variant.
Genome position (GRCh38, 1-based): chr19:42,375,519, C>T. VCF-style: chr19-42375519-C-T. GRCh37 (hg19) VCF-style: chr19-42879671-C-T.
Other names: c.7081C>T, p.Arg2361Trp (NM_001410.3); short protein forms R2361W, R2428W.
Identifiers: ClinVar variation 4282089 (VCV004282089.1).